The following is an entry in ClinVar:

ClinVar aggregate classification (germline): Uncertain significance (1 of 4 stars; one submission).

Submission:

Ambry Genetics
Classification: Uncertain significance. Last evaluated: 2024-03-10. Review status: criteria provided, single submitter. Criteria: Ambry Variant Classification Scheme 2023. Collection method: clinical testing. Allele origin: germline.
Comment: The p.A442V variant (also known as c.1325C>T), located in coding exon 9 of the POLQ gene, results from a C to T substitution at nucleotide position 1325. The alanine at codon 442 is replaced by valine, an amino acid with similar properties. This amino acid position is conserved. In addition, this alteration is predicted to be deleterious by in silico analysis. Based on the available evidence, the clinical significance of this alteration remains unclear.

NM_199420.4(POLQ):c.1325C>T (p.Ala442Val)

Gene: POLQ (DNA polymerase theta; minus strand). Cytogenetic location: 3q13.33.
Variant type: single nucleotide variant.
Coding change: c.1325C>T on transcript NM_199420.4 (MANE Select); coding-DNA position 1325, C replaced by T.
Protein change: p.Ala442Val; replaces alanine 442 with valine.
Molecular consequence: missense variant.
Genome position (GRCh38, 1-based): chr3:121,520,014, G>A on the plus strand (C>T on the coding strand, the complement: POLQ is on the minus strand). VCF-style: chr3-121520014-G-A. GRCh37 (hg19) VCF-style: chr3-121238861-G-A.
Other names: short protein forms A442V.
Identifiers: ClinVar variation 3229828 (VCV003229828.1), dbSNP rs2546810193, ClinGen allele CA354119670.
Genomic context (GRCh38, chr3:121,520,014, plus strand): 5'-GGGGTTCGAATAATCACACGACGTGCAGGTAAATTCACCCCAGAAGAAAGAGTAGAAGTT[G>A]CCGCCAAGACCCGAATGAGACCTTGACGAAAGGCTCCTTCAATGATATCCCTCTCCTCAA-3'
Protein context (NP_955452.3, residues 432-452): FRQGLIRVLA[Ala442Val]TSTLSSGVNL